The following is an entry in ClinVar:

ClinVar aggregate classification (germline): Likely benign. Review status: criteria provided, multiple submitters, no conflicts (2 of 4 stars). 2 submissions from 2 submitters: Likely benign (2). Last evaluated 2023-06-24.

Conditions:
Neurofibromatosis, type 2 (SWNV). Also called: BILATERAL ACOUSTIC NEUROFIBROMATOSIS; SCHWANNOMATOSIS, VESTIBULAR; NF2-Related Schwannomatosis. Identifiers: Orphanet 637, MedGen C0027832, MONDO:0007039, OMIM 101000. Disease mechanism: loss of function.

gnomAD v4.1: 1 of 1,613,936 alleles (0.000062%); highest among the groups gnomAD compares: South Asian, 0.0011%; no homozygotes.

Submissions (2):

Labcorp Genetics (formerly Invitae), Labcorp
Classification: Likely benign for Neurofibromatosis, type 2. Last evaluated: 2023-06-24. Review status: criteria provided, single submitter. Criteria: Invitae Variant Classification Sherloc (09022015). Collection method: clinical testing. Allele origin: germline.

GeneDx
Classification: Likely benign. Last evaluated: 2016-10-27. Review status: criteria provided, single submitter. Criteria: GeneDx Variant Classification (06012015). Collection method: clinical testing. Allele origin: germline. Affected: yes.
Comment: This variant is considered likely benign or benign based on one or more of the following criteria: it is a conservative change, it occurs at a poorly conserved position in the protein, it is predicted to be benign by multiple in silico algorithms, and/or has population frequency not consistent with disease.

NM_000268.4(NF2):c.795G>T (p.Ser265=)

Gene: NF2 (NF2, moesin-ezrin-radixin like (MERLIN) tumor suppressor; plus strand). Cytogenetic location: 22q12.2.
Variant type: single nucleotide variant.
Coding change: c.795G>T on transcript NM_000268.4 (MANE Select); coding-DNA position 795, G replaced by T.
Protein change: p.Ser265=; no amino-acid change (serine 265 retained).
Molecular consequence: synonymous variant. On other transcripts: non-coding transcript variant (1), intron variant (1).
Genome position (GRCh38, 1-based): chr22:29,661,324, G>T. VCF-style: chr22-29661324-G-T. GRCh37 (hg19) VCF-style: chr22-30057313-G-T.
Other names: c.795G>T, p.Ser265= (NM_016418.5, NM_181825.3, NM_181832.3); c.669G>T, p.Ser223= (NM_181828.3); c.672G>T, p.Ser224= (NM_181829.3); c.546G>T, p.Ser182= (NM_181830.3, NM_181831.3); c.447+19039G>T (NM_181833.3).
Identifiers: ClinVar variation 390549 (VCV000390549.4), dbSNP rs376609988, ClinGen allele CA16608651.